The following is an entry in ClinVar:

ClinVar aggregate classification (germline): Uncertain significance. Review status: criteria provided, multiple submitters, no conflicts (2 of 4 stars). 2 submissions from 2 submitters: Uncertain significance (2). Last evaluated 2022-07-26.

Conditions:
Xanthinuria type II. Also called: Xanthine dehydrogenase and aldehyde oxidase combined deficiency of; XDH and AOX dual deficiency. Identifiers: Orphanet 3467, Orphanet 93602, MedGen C1863688, MONDO:0011346, OMIM 603592.

Allele frequency attached by ClinVar (database versions not stated): gnomAD 0.00001; gnomAD exomes 0.00001; TOPMed 0.00002; ExAC 0.00004.

Submissions (2):

Ambry Genetics
Classification: Uncertain significance. Last evaluated: 2022-07-26. Review status: criteria provided, single submitter. Criteria: Ambry Variant Classification Scheme 2023. Collection method: clinical testing. Allele origin: germline.

Labcorp Genetics (formerly Invitae), Labcorp
Classification: Uncertain significance for Xanthinuria type II. Last evaluated: 2022-06-23. Review status: criteria provided, single submitter. Criteria: Invitae Variant Classification Sherloc (09022015). Collection method: clinical testing. Allele origin: germline.
Comment: In summary, the available evidence is currently insufficient to determine the role of this variant in disease. Therefore, it has been classified as a Variant of Uncertain Significance. Algorithms developed to predict the effect of missense changes on protein structure and function are either unavailable or do not agree on the potential impact of this missense change (SIFT: "Deleterious"; PolyPhen-2: "Benign"; Align-GVGD: "Class C0"). This variant has not been reported in the literature in individuals affected with MOCOS-related conditions. This variant is present in population databases (rs745433973, gnomAD 0.009%). This sequence change replaces serine, which is neutral and polar, with proline, which is neutral and non-polar, at codon 246 of the MOCOS protein (p.Ser246Pro).

NM_017947.4(MOCOS):c.736T>C (p.Ser246Pro)

Gene: MOCOS (molybdenum cofactor sulfurase; plus strand). Cytogenetic location: 18q12.2.
Variant type: single nucleotide variant.
Coding change: c.736T>C on transcript NM_017947.4 (MANE Select); coding-DNA position 736, T replaced by C.
Protein change: p.Ser246Pro; replaces serine 246 with proline.
Molecular consequence: missense variant.
Genome position (GRCh38, 1-based): chr18:36,200,119, T>C. VCF-style: chr18-36200119-T-C. GRCh37 (hg19) VCF-style: chr18-33780082-T-C.
Other names: c.736T>C (NM_017947.2); short protein forms S246P.
Identifiers: ClinVar variation 2159636 (VCV002159636.5), dbSNP rs745433973, ClinGen allele CA8940496.